The following is an entry in ClinVar:

ClinVar aggregate classification (germline): Uncertain significance. Review status: criteria provided, multiple submitters, no conflicts (2 of 4 stars). 2 submissions from 2 submitters: Uncertain significance (2). Last evaluated 2024-02-01.

Conditions:
Cardiomyopathy (CMYO). Also called: Cardiomyopathies. Identifiers: Orphanet 167848, MedGen C0878544, MONDO:0004994, HP:0001638. Inheritance: Various modes of inheritance.

Allele frequency attached by ClinVar (database versions not stated): gnomAD exomes below 0.00001 and 0.00003; TOPMed below 0.00001; ExAC 0.00001; gnomAD 0.00001; ESP Exome Variant Server 0.00008.
gnomAD v4.1: 40 of 1,613,824 alleles (0.0025%); highest among the groups gnomAD compares: Non-Finnish European, 0.0031%; no homozygotes.

Submissions (2):

CeGaT Center for Human Genetics Tuebingen
Classification: Uncertain significance. Last evaluated: 2024-02-01. Review status: criteria provided, single submitter. Criteria: CeGaT Center For Human Genetics Tuebingen Variant Classification Criteria Version 2. Collection method: clinical testing. Allele origin: germline. Affected: yes. Observed: 1 variant allele.
Comment: TTN: PM2, BP4

CHEO Genetics Diagnostic Laboratory, Children's Hospital of Eastern Ontario
Classification: Uncertain significance for Cardiomyopathy. Last evaluated: 2020-06-24. Review status: criteria provided, single submitter. Criteria: ACMG Guidelines, 2015. Collection method: clinical testing. Allele origin: germline.

NM_001267550.2(TTN):c.13509G>T (p.Leu4503Phe)

Gene: TTN (titin; minus strand). Cytogenetic location: 2q31.2.
Variant type: single nucleotide variant.
Coding change: c.13509G>T on transcript NM_001267550.2 (MANE Select); coding-DNA position 13509, G replaced by T.
Protein change: p.Leu4503Phe; replaces leucine 4503 with phenylalanine.
Molecular consequence: missense variant. On other transcripts: intron variant (1).
Genome position (GRCh38, 1-based): chr2:178,739,724, C>A on the plus strand (G>T on the coding strand, the complement: TTN is on the minus strand). VCF-style: chr2-178739724-C-A. GRCh37 (hg19) VCF-style: chr2-179604451-C-A.
Other names: c.12558G>T, p.Leu4186Phe (NM_001256850.1); c.12420G>T, p.Leu4140Phe (NM_003319.4); c.12795G>T, p.Leu4265Phe (NM_133432.3); c.12996G>T, p.Leu4332Phe (NM_133437.4); c.10361-1364G>T (NM_133378.4); short protein forms L4140F, L4186F, L4265F, L4332F, L4503F.
Identifiers: ClinVar variation 1329111 (VCV001329111.24), dbSNP rs370302649, ClinGen allele CA2002570.